The following is an entry in ClinVar:

ClinVar aggregate classification (germline): Uncertain significance. Review status: criteria provided, multiple submitters, no conflicts (2 of 4 stars). 2 submissions from 2 submitters: Uncertain significance (2). Last evaluated 2023-06-01.

Conditions:
Inborn genetic diseases. Identifiers: MedGen C0950123, MeSH D030342.
Congenital myasthenic syndrome 8. Also called: MYASTHENIC SYNDROME, CONGENITAL, DUE TO AGRIN DEFICIENCY; Myasthenic syndrome, congenital, 8, with pre- and postsynaptic defects. Identifiers: Orphanet 590, MedGen C3808739, MONDO:0014052, OMIM 615120.

Allele frequency attached by ClinVar (database versions not stated): gnomAD 0.00001; gnomAD exomes 0.00001.
gnomAD v4.1: 16 of 1,611,944 alleles (0.00099%); highest among the groups gnomAD compares: Non-Finnish European, 0.0012%; no homozygotes.

Submissions (2):

Ambry Genetics
Classification: Uncertain significance for Inborn genetic diseases. Last evaluated: 2023-06-01. Review status: criteria provided, single submitter. Criteria: Ambry Variant Classification Scheme 2023. Collection method: clinical testing. Allele origin: germline.

Labcorp Genetics (formerly Invitae), Labcorp
Classification: Uncertain significance for Congenital myasthenic syndrome 8. Last evaluated: 2021-08-27. Review status: criteria provided, single submitter. Criteria: Invitae Variant Classification Sherloc (09022015). Collection method: clinical testing. Allele origin: germline.
Comment: This sequence change replaces threonine with isoleucine at codon 809 of the AGRN protein (p.Thr809Ile). The threonine residue is highly conserved and there is a moderate physicochemical difference between threonine and isoleucine. This variant is not present in population databases (ExAC no frequency). In summary, the available evidence is currently insufficient to determine the role of this variant in disease. Therefore, it has been classified as a Variant of Uncertain Significance. Algorithms developed to predict the effect of missense changes on protein structure and function are either unavailable or do not agree on the potential impact of this missense change (SIFT: "Deleterious"; PolyPhen-2: "Possibly Damaging"; Align-GVGD: "Class C0"). This variant has not been reported in the literature in individuals affected with AGRN-related conditions.

NM_198576.4(AGRN):c.2426C>T (p.Thr809Ile)

Gene: AGRN (agrin; plus strand). Cytogenetic location: 1p36.33.
Variant type: single nucleotide variant.
Coding change: c.2426C>T on transcript NM_198576.4 (MANE Select); coding-DNA position 2426, C replaced by T.
Protein change: p.Thr809Ile; replaces threonine 809 with isoleucine.
Molecular consequence: missense variant.
Genome position (GRCh38, 1-based): chr1:1,045,413, C>T. VCF-style: chr1-1045413-C-T. GRCh37 (hg19) VCF-style: chr1-980793-C-T.
Other names: c.2426C>T, p.Thr809Ile (NM_001305275.2); c.2111C>T, p.Thr704Ile (NM_001364727.2); c.2426C>T (NM_198576.3); short protein forms T809I, T704I.
Identifiers: ClinVar variation 1420160 (VCV001420160.7), dbSNP rs1366119256, ClinGen allele CA337839327.